The following is an entry in ClinVar:

NM_001145026.2(PTPRQ):c.4967A>C (p.Glu1656Ala)

Gene: PTPRQ (protein tyrosine phosphatase receptor type Q; plus strand). Cytogenetic location: 12q21.31.
Variant type: single nucleotide variant.
Coding change: c.4967A>C on transcript NM_001145026.2 (MANE Select); coding-DNA position 4967, A replaced by C.
Protein change: p.Glu1656Ala; replaces glutamic acid 1656 with alanine.
Molecular consequence: missense variant.
Genome position (GRCh38, 1-based): chr12:80,613,640, A>C. VCF-style: chr12-80613640-A-C. GRCh37 (hg19) VCF-style: chr12-81007419-A-C.
Other names: short protein forms E1656A.
Identifiers: ClinVar variation 3901543 (VCV003901543.1).

ClinVar aggregate classification (germline): Uncertain significance (1 of 4 stars; one submission).

gnomAD v4.1: 138 of 1,545,478 alleles (0.0089%); highest among the groups gnomAD compares: Non-Finnish European, 0.011%; 1 homozygote.

Submission:

GeneDx
Classification: Uncertain significance. Last evaluated: 2024-12-09. Review status: criteria provided, single submitter. Criteria: GeneDx Variant Classification Process June 2021. Collection method: clinical testing. Allele origin: germline. Affected: yes.
Comment: In silico analysis supports that this missense variant has a deleterious effect on protein structure/function; Has not been previously published as pathogenic or benign to our knowledge